The following is an entry in ClinVar:

NM_001130082.3(PLXNB1):c.2934T>C (p.His978=)

Gene: PLXNB1 (plexin B1; minus strand). Cytogenetic location: 3p21.31.
Variant type: single nucleotide variant.
Coding change: c.2934T>C on transcript NM_001130082.3 (MANE Select); coding-DNA position 2934, T replaced by C.
Protein change: p.His978=; no amino-acid change (histidine 978 retained).
Molecular consequence: synonymous variant.
Genome position (GRCh38, 1-based): chr3:48,418,938, A>G on the plus strand (T>C on the coding strand, the complement: PLXNB1 is on the minus strand). VCF-style: chr3-48418938-A-G. GRCh37 (hg19) VCF-style: chr3-48460347-A-G.
Other names: c.2934T>C, p.His978= (NM_002673.6).
Identifiers: ClinVar variation 3057255 (VCV003057255.2), dbSNP rs200565688, ClinGen allele CA2374677.
Genomic context (GRCh38, chr3:48,418,938, plus strand): 5'-CAGTGCACCCGTGCCCACCCAGGCGCTCATGGTGTGCACCTGGTGCTGCTGGCAGGTGAC[A>G]TGGCACTGGGTATCTGGAGGTGGCTCACACTCGACCCGGGCCTCAACCACCACCTCGAGG-3'
Protein context (NP_001123554.1, residues 968-988): ECEPPPDTQC[His978=]VTCQQHQLSY

ClinVar aggregate classification (germline): Likely benign (0 of 4 stars; one submission).

Conditions:
PLXNB1-related disorder. Also called: PLXNB1-related condition.

Allele frequency attached by ClinVar (database versions not stated): TOPMed 0.00002; ESP Exome Variant Server 0.00008; gnomAD 0.00009; gnomAD exomes 0.00014; ExAC 0.00022; 1000 Genomes Project 30x 0.00031; 1000 Genomes Project 0.00040.
gnomAD v4.1: 213 of 1,613,988 alleles (0.013%); highest among the groups gnomAD compares: Non-Finnish European, 0.0061%; no homozygotes.

Submission:

PreventionGenetics, part of Exact Sciences
Classification: Likely benign for PLXNB1-related condition. Last evaluated: 2019-03-06. Review status: no assertion criteria provided. Collection method: clinical testing. Allele origin: germline.
Comment: This variant is classified as likely benign based on ACMG/AMP sequence variant interpretation guidelines (Richards et al. 2015 PMID: 25741868, with internal and published modifications).